The following is an entry in ClinVar:

ClinVar aggregate classification (germline): Uncertain significance (1 of 4 stars; one submission).

Conditions:
Bloom syndrome (BLM). Also called: Bloom-Torre-Machacek syndrome. Identifiers: Orphanet 125, MedGen C0005859, MONDO:0008876, OMIM 210900.

Submission:

Labcorp Genetics (formerly Invitae), Labcorp
Classification: Uncertain significance for Bloom syndrome. Last evaluated: 2021-10-14. Review status: criteria provided, single submitter. Criteria: Invitae Variant Classification Sherloc (09022015). Collection method: clinical testing. Allele origin: germline.
Comment: This sequence change replaces methionine with threonine at codon 376 of the BLM protein (p.Met376Thr). The methionine residue is moderately conserved and there is a moderate physicochemical difference between methionine and threonine. This variant is not present in population databases (ExAC no frequency). This variant has not been reported in the literature in individuals affected with BLM-related conditions. Algorithms developed to predict the effect of missense changes on protein structure and function are either unavailable or do not agree on the potential impact of this missense change (SIFT: "Deleterious"; PolyPhen-2: "Possibly Damaging"; Align-GVGD: "Class C0"). In summary, the available evidence is currently insufficient to determine the role of this variant in disease. Therefore, it has been classified as a Variant of Uncertain Significance.

NM_000057.4(BLM):c.1127T>C (p.Met376Thr)

Gene: BLM (BLM RecQ like helicase; plus strand). Cytogenetic location: 15q26.1.
Variant type: single nucleotide variant.
Coding change: c.1127T>C on transcript NM_000057.4 (MANE Select); coding-DNA position 1127, T replaced by C.
Protein change: p.Met376Thr; replaces methionine 376 with threonine.
Molecular consequence: missense variant. On other transcripts: initiator codon variant (1).
Genome position (GRCh38, 1-based): chr15:90,760,186, T>C. VCF-style: chr15-90760186-T-C. GRCh37 (hg19) VCF-style: chr15-91303416-T-C.
Other names: c.1127T>C, p.Met376Thr (NM_001287246.2, NM_001287247.2); c.2T>C, p.Met1Thr (NM_001287248.2); short protein forms M1T, M376T.
Identifiers: ClinVar variation 1410150 (VCV001410150.7), dbSNP rs2151157273, ClinGen allele CA393842367.